The following is an entry in ClinVar:

NM_016617.4(UFM1):c.51G>A (p.Pro17=)

Gene: UFM1 (ubiquitin fold modifier 1; plus strand). Cytogenetic location: 13q13.3.
Variant type: single nucleotide variant.
Coding change: c.51G>A on transcript NM_016617.4 (MANE Select); coding-DNA position 51, G replaced by A.
Protein change: p.Pro17=; no amino-acid change (proline 17 retained).
Molecular consequence: synonymous variant. On other transcripts: 5 prime UTR variant (1), non-coding transcript variant (2).
Genome position (GRCh38, 1-based): chr13:38,350,047, G>A. VCF-style: chr13-38350047-G-A. GRCh37 (hg19) VCF-style: chr13-38924184-G-A.
Other names: c.51G>A, p.Pro17= (NM_001286703.2, NM_001286705.2, NM_001286706.2); c.-68G>A (NM_001286704.2).
Identifiers: ClinVar variation 3024786 (VCV003024786.22), dbSNP rs143474592, ClinGen allele CA6953902.

ClinVar aggregate classification (germline): Likely benign (1 of 4 stars; one submission).

Allele frequency attached by ClinVar (database versions not stated): ExAC 0.00002; gnomAD exomes 0.00003; gnomAD 0.00004; TOPMed 0.00004; ESP Exome Variant Server 0.00015.
gnomAD v4.1: 52 of 1,614,108 alleles (0.0032%); highest among the groups gnomAD compares: Non-Finnish European, 0.0042%; no homozygotes.

Submission:

CeGaT Center for Human Genetics Tuebingen
Classification: Likely benign. Last evaluated: 2024-02-01. Review status: criteria provided, single submitter. Criteria: CeGaT Center For Human Genetics Tuebingen Variant Classification Criteria Version 2. Collection method: clinical testing. Allele origin: germline. Affected: yes. Observed: 1 variant allele.
Comment: UFM1: BP4, BP7